The following is an entry in ClinVar:

ClinVar aggregate classification (germline): Likely pathogenic (1 of 4 stars; one submission).

Conditions:
Galactosylceramide beta-galactosidase deficiency. Also called: Leukodystrophy, Globoid Cell; Krabbe Disease; GALACTOCEREBROSIDASE DEFICIENCY; GALC DEFICIENCY; GLOBOID CELL LEUKOENCEPHALOPATHY. Identifiers: Orphanet 487, MedGen C0023521, MONDO:0009499, OMIM 245200.

gnomAD v4.1: 1 of 1,532,478 alleles (0.000065%); highest among the groups gnomAD compares: Non-Finnish European, 0.000087%; no homozygotes.

Submission:

Labcorp Genetics (formerly Invitae), Labcorp
Classification: Likely pathogenic for Galactosylceramide beta-galactosidase deficiency. Last evaluated: 2023-08-04. Review status: criteria provided, single submitter. Criteria: Invitae Variant Classification Sherloc (09022015). Collection method: clinical testing. Allele origin: germline.
Comment: This sequence change replaces glycine, which is neutral and non-polar, with cysteine, which is neutral and slightly polar, at codon 59 of the GALC protein (p.Gly59Cys). This variant is not present in population databases (gnomAD no frequency). This variant has not been reported in the literature in individuals affected with GALC-related conditions. Advanced modeling of protein sequence and biophysical properties (such as structural, functional, and spatial information, amino acid conservation, physicochemical variation, residue mobility, and thermodynamic stability) performed at Invitae indicates that this missense variant is expected to disrupt GALC protein function. This variant disrupts the p.Gly59 amino acid residue in GALC. Other variant(s) that disrupt this residue have been determined to be pathogenic (PMID: 10234611, 24252386; Invitae). This suggests that this residue is clinically significant, and that variants that disrupt this residue are likely to be disease-causing. In summary, the currently available evidence indicates that the variant is pathogenic, but additional data are needed to prove that conclusively. Therefore, this variant has been classified as Likely Pathogenic.

Literature cited by the submitters: PubMed 10234611; PubMed 24252386.

NM_000153.4(GALC):c.175G>T (p.Gly59Cys)

Genes: GALC (galactosylceramidase; minus strand), LOC130056217 (ATAC-STARR-seq lymphoblastoid silent region 5988; plus strand). Cytogenetic location: 14q31.3.
Variant type: single nucleotide variant.
Coding change: c.175G>T on transcript NM_000153.4 (MANE Select); coding-DNA position 175, G replaced by T.
Protein change: p.Gly59Cys; replaces glycine 59 with cysteine.
Molecular consequence: missense variant. On other transcripts: 5 prime UTR variant (3), non-coding transcript variant (1), intron variant (2).
Genome position (GRCh38, 1-based): chr14:87,992,990, C>A on the plus strand (G>T on the coding strand, the complement: GALC is on the minus strand). VCF-style: chr14-87992990-C-A. GRCh37 (hg19) VCF-style: chr14-88459334-C-A.
Other names: c.175G>T, p.Gly59Cys (NM_001201401.2); c.-96G>T (NM_001424072.1); c.-262G>T (NM_001424075.1); c.-493G>T (NM_001424077.1); c.-473+393G>T (NM_001424076.1); c.117+393G>T (NM_001201402.2); short protein forms G59C.
Identifiers: ClinVar variation 2750061 (VCV002750061.3), dbSNP rs764757647, ClinGen allele CA265469438.
Genomic context (GRCh38, chr14:87,992,990, plus strand): 5'-TCTTGCCGCCCCCCGCGTATCCCCGCAGCTTGCCGCTCACCCCGCCGCCGCTGACCGCGC[C>A]GATGCCGTCGAACTCCCGGCCCAGCCCGTCGGAGTCGTCGAGCACGTACGCGCCGCCGGG-3'
Protein context (NP_000144.2, residues 49-69): DGLGREFDGI[Gly59Cys]AVSGGGATSR